The following is an entry in ClinVar:

NM_000283.4(PDE6B):c.852+1G>A

Genes: PDE6B (phosphodiesterase 6B; plus strand), PDE6B-AS1 (PDE6B antisense RNA 1; minus strand). Cytogenetic location: 4p16.3.
Variant type: single nucleotide variant.
Coding change: c.852+1G>A on transcript NM_000283.4 (MANE Select); the canonical splice donor site of the intron after coding-DNA position 852, G replaced by A.
Molecular consequence: splice donor variant.
Genome position (GRCh38, 1-based): chr4:653,993, G>A. VCF-style: chr4-653993-G-A. GRCh37 (hg19) VCF-style: chr4-647782-G-A.
Other names: c.852+1G>A (NM_001145291.2); c.15+1G>A (NM_001379246.1, NM_001379247.1, NM_001145292.2 and 1 more transcripts); c.-189+1G>A (NM_001350155.3).
Identifiers: ClinVar variation 2110466 (VCV002110466.5), dbSNP rs1215766333, ClinGen allele CA355911613.
Genomic context (GRCh38, chr4:653,993, plus strand): 5'-CGGGCCTACCTCAACTGCGAGCGGTACTCCGTGGGCCTCCTGGACATGACCAAGGAGAAG[G>A]TGAGGCTTCCGTGGCTCAGGGACCCCCTGCCTGGCCCGACCCAGGTCCCGCAGTGACCGC-3'

ClinVar aggregate classification (germline): Likely pathogenic. Review status: criteria provided, multiple submitters, no conflicts (2 of 4 stars). 2 submissions from 2 submitters: Likely pathogenic (2). Last evaluated 2023-09-24.

Conditions:
PDE6B-related disorder. Also called: PDE6B-related disease; PDE6B-related condition; PDE6B-related disorders.

Allele frequency attached by ClinVar (database versions not stated): TOPMed below 0.00001; gnomAD 0.00001; gnomAD exomes 0.00001.

Submissions (2):

Labcorp Genetics (formerly Invitae), Labcorp
Classification: Likely pathogenic. Last evaluated: 2023-09-24. Review status: criteria provided, single submitter. Criteria: Invitae Variant Classification Sherloc (09022015). Collection method: clinical testing. Allele origin: germline.
Comment: This sequence change affects a donor splice site in intron 4 of the PDE6B gene. It is expected to disrupt RNA splicing. Variants that disrupt the donor or acceptor splice site typically lead to a loss of protein function (PMID: 16199547), and loss-of-function variants in PDE6B are known to be pathogenic (PMID: 8394174, 8595886, 22334370). This variant is not present in population databases (gnomAD no frequency). This variant has not been reported in the literature in individuals affected with PDE6B-related conditions. ClinVar contains an entry for this variant (Variation ID: 2110466). Algorithms developed to predict the effect of sequence changes on RNA splicing suggest that this variant may disrupt the consensus splice site. In summary, the currently available evidence indicates that the variant is pathogenic, but additional data are needed to prove that conclusively. Therefore, this variant has been classified as Likely Pathogenic.

Blueprint Genetics
Classification: Likely pathogenic for PDE6B-related disorders. Last evaluated: 2020-01-07. Review status: criteria provided, single submitter. Criteria: ACMG Guidelines, 2015. Collection method: clinical testing. Allele origin: germline. Affected: yes. Observed: 1 variant allele.

Literature cited by the submitters: PubMed 16199547 (cited by Labcorp Genetics (formerly Invitae), Labcorp); PubMed 8394174 (cited by Labcorp Genetics (formerly Invitae), Labcorp); PubMed 8595886 (cited by Labcorp Genetics (formerly Invitae), Labcorp); PubMed 22334370 (cited by Labcorp Genetics (formerly Invitae), Labcorp).